The following is an entry in ClinVar:

ClinVar aggregate classification (germline): Conflicting classifications of pathogenicity. Review status: criteria provided, conflicting classifications (1 of 4 stars). 2 submissions from 2 submitters: Uncertain significance (1); Likely benign (1). Last evaluated 2025-10-09.

Conditions:
RYR1-related disorder. Also called: RYR1-related disorders; RYR1-related condition. Identifiers: MedGen CN239331.
Malignant hyperthermia, susceptibility to, 1 (MHS1). Also called: RYR1-Related Malignant Hyperthermia Susceptibility; Malignant hyperthermia suceptibility 1; Anesthesia related hyperthermia; Malignant hyperpyrexia; Fulminating hyperpyrexia; Pharmacogenic myopathy. Identifiers: Orphanet 423, MedGen C2930980, MONDO:0007783, OMIM 145600.

Allele frequency attached by ClinVar (database versions not stated): TOPMed 0.00002.
gnomAD v4.1: 12 of 1,612,018 alleles (0.00074%); highest among the groups gnomAD compares: East Asian, 0.02%; no homozygotes.

Submissions (2):

Labcorp Genetics (formerly Invitae), Labcorp
Classification: Likely benign for RYR1-related disorder. Last evaluated: 2025-10-09. Review status: criteria provided, single submitter. Criteria: Invitae Variant Classification Sherloc (09022015). Collection method: clinical testing. Allele origin: germline.

All of Us Research Program, National Institutes of Health
Classification: Uncertain significance for Malignant hyperthermia, susceptibility to, 1. Last evaluated: 2023-02-24. Review status: criteria provided, single submitter. Criteria: ACMG Guidelines, 2015. Collection method: clinical testing. Allele origin: germline. Inheritance: Autosomal dominant inheritance. Observed: 1 variant allele, 1 heterozygote.
Comment: This variant is located in the RYR1 protein. To our knowledge, functional studies have not been reported for this variant. This variant has not been reported in individuals affected with RYR1-related disorders in the literature. This variant has not been identified in the general population by the Genome Aggregation Database (gnomAD). The available evidence is insufficient to determine the role of this variant in disease conclusively. Therefore, this variant is classified as a Variant of Uncertain Significance.

This study involves interpretation of variants in research participants for the purpose of population health screening. Participant phenotype was not available at the time of variant classification. Additional details can be found in publication PMID: 35346344, PMCID: PMC8962531

NM_000540.3(RYR1):c.7680G>T (p.Pro2560=)

Gene: RYR1 (ryanodine receptor 1; plus strand). Cytogenetic location: 19q13.2.
Variant type: single nucleotide variant.
Coding change: c.7680G>T on transcript NM_000540.3 (MANE Select); coding-DNA position 7680, G replaced by T.
Protein change: p.Pro2560=; no amino-acid change (proline 2560 retained).
Molecular consequence: synonymous variant.
Genome position (GRCh38, 1-based): chr19:38,502,572, G>T. VCF-style: chr19-38502572-G-T. GRCh37 (hg19) VCF-style: chr19-38993212-G-T.
Other names: c.7680G>T, p.Pro2560= (NM_001042723.2).
Identifiers: ClinVar variation 745203 (VCV000745203.10), dbSNP rs752993876, ClinGen allele CA069978.